The following is an entry in ClinVar:

NM_000051.4(ATM):c.3420C>T (p.Asn1140=)

Gene: ATM (ATM serine/threonine kinase; plus strand). Cytogenetic location: 11q22.3.
Variant type: single nucleotide variant.
Coding change: c.3420C>T on transcript NM_000051.4 (MANE Select); coding-DNA position 3420, C replaced by T.
Protein change: p.Asn1140=; no amino-acid change (asparagine 1140 retained).
Molecular consequence: synonymous variant.
Genome position (GRCh38, 1-based): chr11:108,281,012, C>T. VCF-style: chr11-108281012-C-T. GRCh37 (hg19) VCF-style: chr11-108151739-C-T.
Other names: c.3420C>T, p.Asn1140= (NM_001351834.2).
Identifiers: ClinVar variation 495390 (VCV000495390.11), dbSNP rs1329688204, ClinGen allele CA476672788.

ClinVar aggregate classification (germline): Benign/Likely benign. Review status: criteria provided, multiple submitters, no conflicts (2 of 4 stars). 4 submissions from 4 submitters: Benign (1); Likely benign (3). Last evaluated 2024-05-14.

Conditions:
Hereditary cancer-predisposing syndrome. Also called: Tumor predisposition; Hereditary neoplastic syndrome; Neoplastic Syndromes, Hereditary; Hereditary Cancer Syndrome. Identifiers: Orphanet 140162, MedGen C0027672, MeSH D009386, MONDO:0015356.
Ataxia-telangiectasia syndrome (AT). Also called: LOUIS-BAR SYNDROME; Cerebello-oculocutaneous telangiectasia; Immunodeficiency with ataxia telangiectasia; Ataxia-telangiectasia, complementation group D; AT, COMPLEMENTATION GROUP C; ATAXIA-TELANGIECTASIA, COMPLEMENTATION GROUP A. Identifiers: Orphanet 100, MedGen C0004135, MONDO:0008840, OMIM 208900.
Familial cancer of breast. Also called: hereditary breast carcinoma; BREAST CANCER, FAMILIAL; Hereditary breast cancer. Identifiers: Orphanet 227535, MedGen C0346153, MONDO:0016419, OMIM 114480. Disease mechanism: loss of function.

gnomAD v4.1: 2 of 1,612,172 alleles (0.00012%); highest among the groups gnomAD compares: Non-Finnish European, 0.00017%; no homozygotes.

Submissions (4):

Myriad Genetics, Inc.
Classification: Benign for Familial cancer of breast. Last evaluated: 2024-05-14. Review status: criteria provided, single submitter. Criteria: Myriad Autosomal Dominant, Autosomal Recessive and X-Linked Classification Criteria (2023). Collection method: clinical testing. Allele origin: unknown.
Comment: This variant is considered benign. This variant is a silent/synonymous amino acid change and it is not expected to impact splicing.

Ambry Genetics
Classification: Likely benign for Hereditary cancer-predisposing syndrome. Last evaluated: 2023-09-28. Review status: criteria provided, single submitter. Criteria: Ambry Variant Classification Scheme 2023. Collection method: clinical testing. Allele origin: germline.

Labcorp Genetics (formerly Invitae), Labcorp
Classification: Likely benign for Ataxia-telangiectasia syndrome. Last evaluated: 2022-03-03. Review status: criteria provided, single submitter. Criteria: Invitae Variant Classification Sherloc (09022015). Collection method: clinical testing. Allele origin: germline.

Women's Health and Genetics/Laboratory Corporation of America, LabCorp
Classification: Likely benign. Last evaluated: 2019-08-21. Review status: criteria provided, single submitter. Criteria: LabCorp Variant Classification Summary - May 2015. Collection method: clinical testing. Allele origin: germline.